The following is an entry in ClinVar:

NM_017917.4(PPP2R3C):c.578T>C (p.Leu193Ser)

Genes: PPP2R3C (protein phosphatase 2 regulatory subunit B''gamma; minus strand), LOC101927178 (uncharacterized LOC101927178; plus strand). Cytogenetic location: 14q13.2.
Variant type: single nucleotide variant.
Coding change: c.578T>C on transcript NM_017917.4 (MANE Select); coding-DNA position 578, T replaced by C.
Protein change: p.Leu193Ser; replaces leucine 193 with serine.
Molecular consequence: missense variant. On other transcripts: non-coding transcript variant (1).
Genome position (GRCh38, 1-based): chr14:35,099,380, A>G on the plus strand (T>C on the coding strand, the complement: PPP2R3C is on the minus strand). VCF-style: chr14-35099380-A-G. GRCh37 (hg19) VCF-style: chr14-35568586-A-G.
Other names: c.248T>C, p.Leu83Ser (NM_001305155.2, NM_001305156.2); short protein forms L193S, L83S.
Identifiers: ClinVar variation 627424 (VCV000627424.5), dbSNP rs1566411552, ClinGen allele CA389446381.

ClinVar aggregate classification (germline): Pathogenic. Review status: criteria provided, single submitter (1 of 4 stars). 3 submissions from 2 submitters: Pathogenic (1). 2 of the submissions do not count toward it.

Conditions:
Gonadal dysgenesis, dysmorphic facies, retinal dystrophy, and myopathy. Also called: 46,XY agonadism with mental retardation, short stature, retarded bone age, and multiple extragenital malformations; Kennerknecht syndrome; MYOECTODERMAL GONADAL DYSGENESIS SYNDROME; BROSNAN-KENNERKNECHT-GURAN-KOC SYNDROME. Identifiers: MedGen C5193085, MONDO:0032738, OMIM 618419.
Spermatogenic failure 36. Identifiers: MedGen C5193086, MONDO:0032739, OMIM 618420.

Allele frequency attached by ClinVar (database versions not stated): gnomAD exomes below 0.00001; gnomAD 0.00001.
gnomAD v4.1: 3 of 1,590,148 alleles (0.00019%); highest among the groups gnomAD compares: Middle Eastern, 0.017%; no homozygotes.

Submissions (3):

School of Medicine, Marmara University
Classification: Pathogenic for Gonadal dysgenesis, dysmorphic facies, retinal dystrophy, and myopathy. Review status: criteria provided, single submitter. Criteria: Submitter's publication. Collection method: clinical testing. Allele origin: germline. Inheritance: Autosomal recessive inheritance. Affected: yes.
Comment: Syndromic 46, XY Gonadal Dysgenesis and Impaired Spermatogenesis in humans

OMIM
Classification: Pathogenic for MYOECTODERMAL GONADAL DYSGENESIS SYNDROME. Last evaluated: 2022-08-31. Review status: no assertion criteria provided. Collection method: literature only. Allele origin: germline. Not counted in ClinVar's aggregate classification.

OMIM
Classification: Pathogenic for SPERMATOGENIC FAILURE 36. Last evaluated: 2022-08-31. Review status: no assertion criteria provided. Collection method: literature only. Allele origin: germline. Not counted in ClinVar's aggregate classification.

Literature cited by the submitters: PubMed 30893644 (cited by School of Medicine, Marmara University and OMIM); PubMed 8849014 (cited by OMIM); PubMed 34750818 (cited by OMIM); PubMed 34714774 (cited by OMIM).